The following is an entry in ClinVar:

NM_001242896.3(DEPDC5):c.624+5A>G

Gene: DEPDC5 (DEP domain containing 5, GATOR1 subcomplex subunit; plus strand). Cytogenetic location: 22q12.2.
Variant type: single nucleotide variant.
Coding change: c.624+5A>G on transcript NM_001242896.3 (MANE Select); 5 bases into the intron after coding-DNA position 624, A replaced by G.
Molecular consequence: intron variant.
Genome position (GRCh38, 1-based): chr22:31,784,880, A>G. VCF-style: chr22-31784880-A-G. GRCh37 (hg19) VCF-style: chr22-32180866-A-G.
Other names: c.624+5A>G (NM_001364318.2, NM_001136029.4, NM_014662.6 and 7 more transcripts); c.540+5A>G (NM_001369902.1, NM_001369901.1).
Identifiers: ClinVar variation 2782315 (VCV002782315.3), dbSNP rs1240891437, ClinGen allele CA752427320.

ClinVar aggregate classification (germline): Uncertain significance (1 of 4 stars; one submission).

Conditions:
Familial focal epilepsy with variable foci (FPEVF). Identifiers: Orphanet 98820, MedGen C1858477, MONDO:0020310.

Allele frequency attached by ClinVar (database versions not stated): gnomAD exomes below 0.00001; TOPMed below 0.00001; gnomAD 0.00001.
gnomAD v4.1: 3 of 1,611,338 alleles (0.00019%); highest among the groups gnomAD compares: Non-Finnish European, 0.00017%; no homozygotes.

Submission:

Labcorp Genetics (formerly Invitae), Labcorp
Classification: Uncertain significance for Familial focal epilepsy with variable foci. Last evaluated: 2023-06-14. Review status: criteria provided, single submitter. Criteria: Invitae Variant Classification Sherloc (09022015). Collection method: clinical testing. Allele origin: germline.
Comment: In summary, the available evidence is currently insufficient to determine the role of this variant in disease. Therefore, it has been classified as a Variant of Uncertain Significance. This variant has not been reported in the literature in individuals affected with DEPDC5-related conditions. Variants that disrupt the consensus splice site are a relatively common cause of aberrant splicing (PMID: 17576681, 9536098). Algorithms developed to predict the effect of sequence changes on RNA splicing suggest that this variant is not likely to affect RNA splicing. This variant is not present in population databases (gnomAD no frequency). This sequence change falls in intron 10 of the DEPDC5 gene. It does not directly change the encoded amino acid sequence of the DEPDC5 protein. It affects a nucleotide within the consensus splice site.

Literature cited by the submitters: PubMed 17576681; PubMed 9536098.